The following is an entry in ClinVar:

ClinVar aggregate classification (germline): Conflicting classifications of pathogenicity. Review status: criteria provided, conflicting classifications (1 of 4 stars). 4 submissions from 4 submitters: Uncertain significance (2); Likely benign (1). 1 of the submissions does not count toward it. Last evaluated 2025-08-27.

Conditions:
Familial cancer of breast. Also called: BREAST CANCER, FAMILIAL; Hereditary breast cancer; hereditary breast carcinoma. Identifiers: Orphanet 227535, MedGen C0346153, MONDO:0016419, OMIM 114480. Disease mechanism: loss of function.
Hereditary cancer-predisposing syndrome. Also called: Hereditary neoplastic syndrome; Neoplastic Syndromes, Hereditary; Tumor predisposition; Hereditary Cancer Syndrome. Identifiers: Orphanet 140162, MedGen C0027672, MeSH D009386, MONDO:0015356.

Allele frequency attached by ClinVar (database versions not stated): ExAC 0.00001; gnomAD exomes 0.00001 and 0.00002.
gnomAD v4.1: 5 of 1,614,170 alleles (0.00031%); highest among the groups gnomAD compares: East Asian, 0.011%; no homozygotes.

Submissions (4):

Labcorp Genetics (formerly Invitae), Labcorp
Classification: Uncertain significance for Familial cancer of breast. Last evaluated: 2025-08-27. Review status: criteria provided, single submitter. Criteria: Invitae Variant Classification Sherloc (09022015). Collection method: clinical testing. Allele origin: germline.
Comment: This sequence change replaces proline, which is neutral and non-polar, with leucine, which is neutral and non-polar, at codon 249 of the PALB2 protein (p.Pro249Leu). This variant is present in population databases (rs759810283, gnomAD 0.02%). This missense change has been observed in individual(s) with breast cancer (PMID: 23977390). ClinVar contains an entry for this variant (Variation ID: 830115). An algorithm developed to predict the effect of missense changes on protein structure and function outputs the following: PolyPhen-2: "Benign". The leucine amino acid residue is found in multiple mammalian species, which suggests that this missense change does not adversely affect protein function. In summary, the available evidence is currently insufficient to determine the role of this variant in disease. Therefore, it has been classified as a Variant of Uncertain Significance.

Ambry Genetics
Classification: Likely benign for Hereditary cancer-predisposing syndrome. Last evaluated: 2025-05-30. Review status: criteria provided, single submitter. Criteria: Ambry Variant Classification Scheme 2023. Collection method: clinical testing. Allele origin: germline.

Color Diagnostics, LLC DBA Color Health
Classification: Uncertain significance for Hereditary cancer-predisposing syndrome. Last evaluated: 2021-11-18. Review status: criteria provided, single submitter. Criteria: ACMG Guidelines, 2015. Collection method: clinical testing. Allele origin: germline.
Comment: This missense variant replaces proline with leucine at codon 249 of the PALB2 protein. Computational prediction suggests that this variant may not impact protein structure and function (internally defined REVEL score threshold <= 0.5, PMID: 27666373). To our knowledge, functional studies have not been reported for this variant. This variant has been reported in two individuals affected with breast cancer in the literature (PMID: 23977390). In a breast cancer case control study, this variant was identified in 0/60466 cases and 2/53459 controls (PMID: 33471991 - Leiden Open Variation Database DB-ID PALB2_010261). This variant has been identified in 4/251306 chromosomes in the general population by the Genome Aggregation Database (gnomAD). The available evidence is insufficient to determine the role of this variant in disease conclusively. Therefore, this variant is classified as a Variant of Uncertain Significance.

Leiden Open Variation Database
Classification: Likely benign for Familial cancer of breast. Last evaluated: 2019-05-13. Review status: no assertion criteria provided. Collection method: curation. Allele origin: germline. Affected: yes. Not counted in ClinVar's aggregate classification.
Comment: Curators: Marc Tischkowitz, Arleen D. Auerbach. Submitter to LOVD: Marc Tischkowitz.

Literature cited by the submitters: PubMed 23977390 (cited by 4 submitters); PubMed 33471991 (cited by Color Diagnostics, LLC DBA Color Health).

NM_024675.4(PALB2):c.746C>T (p.Pro249Leu)

Gene: PALB2 (partner and localizer of BRCA2; minus strand). Cytogenetic location: 16p12.2.
Variant type: single nucleotide variant.
Coding change: c.746C>T on transcript NM_024675.4 (MANE Select); coding-DNA position 746, C replaced by T.
Protein change: p.Pro249Leu; replaces proline 249 with leucine.
Molecular consequence: missense variant.
Genome position (GRCh38, 1-based): chr16:23,635,800, G>A on the plus strand (C>T on the coding strand, the complement: PALB2 is on the minus strand). VCF-style: chr16-23635800-G-A. GRCh37 (hg19) VCF-style: chr16-23647121-G-A.
Other names: short protein forms P249L.
Identifiers: ClinVar variation 830115 (VCV000830115.15), dbSNP rs759810283, ClinGen allele CA7963764.